The following is an entry in ClinVar:

NM_004484.4(GPC3):c.985G>T (p.Asp329Tyr)

Gene: GPC3 (glypican 3; minus strand). Cytogenetic location: Xq26.2.
Variant type: single nucleotide variant.
Coding change: c.985G>T on transcript NM_004484.4 (MANE Select); coding-DNA position 985, G replaced by T.
Protein change: p.Asp329Tyr; replaces aspartic acid 329 with tyrosine.
Molecular consequence: missense variant.
Genome position (GRCh38, 1-based): chrX:133,753,529, C>A on the plus strand (G>T on the coding strand, the complement: GPC3 is on the minus strand). VCF-style: chrX-133753529-C-A. GRCh37 (hg19) VCF-style: chrX-132887556-C-A.
Other names: c.985G>T, p.Asp329Tyr (NM_001164617.2); c.937G>T, p.Asp313Tyr (NM_001164618.2); c.823G>T, p.Asp275Tyr (NM_001164619.2); short protein forms D329Y, D275Y, D313Y.
Identifiers: ClinVar variation 3681845 (VCV003681845.3).

ClinVar aggregate classification (germline): Uncertain significance (1 of 4 stars; one submission).

Conditions:
Wilms tumor 1 (WT1). Also called: Wilms tumor, somatic. Identifiers: Orphanet 654, MedGen CN033288, MONDO:0008679, OMIM 194070.

gnomAD v4.1: 1 of 1,210,776 alleles (0.000083%); highest among the groups gnomAD compares: African/African-American, 0.0017%; no homozygotes.

Submissions (2):

Labcorp Genetics (formerly Invitae), Labcorp
Classification: Uncertain significance for Wilms tumor 1. Last evaluated: 2024-11-27. Review status: criteria provided, single submitter. Criteria: Invitae Variant Classification Sherloc (09022015). Collection method: clinical testing. Allele origin: germline.
Comment: This sequence change replaces aspartic acid, which is acidic and polar, with tyrosine, which is neutral and polar, at codon 329 of the GPC3 protein (p.Asp329Tyr). This variant is not present in population databases (gnomAD no frequency). This variant has not been reported in the literature in individuals affected with GPC3-related conditions. Invitae Evidence Modeling of protein sequence and biophysical properties (such as structural, functional, and spatial information, amino acid conservation, physicochemical variation, residue mobility, and thermodynamic stability) indicates that this missense variant is expected to disrupt GPC3 protein function with a positive predictive value of 80%. In summary, the available evidence is currently insufficient to determine the role of this variant in disease. Therefore, it has been classified as a Variant of Uncertain Significance.

Dr. Peter K. Rogan Lab, Western University
No classification provided (evidence only). Condition: Thyroid cancer, nonmedullary, 1. Review status: no classification provided. Collection method: in vitro. Allele origin: not applicable. Functional consequence: retained intron. Not counted in ClinVar's aggregate classification.